The following is an entry in ClinVar:

ClinVar aggregate classification (germline): Uncertain significance. Review status: criteria provided, multiple submitters, no conflicts (2 of 4 stars). 2 submissions from 2 submitters: Uncertain significance (2). Last evaluated 2023-07-21.

Conditions:
Inborn genetic diseases. Identifiers: MedGen C0950123, MeSH D030342.

Allele frequency attached by ClinVar (database versions not stated): gnomAD exomes below 0.00001; ExAC 0.00001; gnomAD 0.00001; TOPMed 0.00003.

Submissions (2):

Labcorp Genetics (formerly Invitae), Labcorp
Classification: Uncertain significance. Last evaluated: 2023-07-21. Review status: criteria provided, single submitter. Criteria: Invitae Variant Classification Sherloc (09022015). Collection method: clinical testing. Allele origin: germline.
Comment: This sequence change falls in intron 22 of the CPLANE1 gene. It does not directly change the encoded amino acid sequence of the CPLANE1 protein. It affects a nucleotide within the consensus splice site. This variant is present in population databases (rs770960938, gnomAD 0.0009%). This variant has not been reported in the literature in individuals affected with CPLANE1-related conditions. ClinVar contains an entry for this variant (Variation ID: 1389008). Variants that disrupt the consensus splice site are a relatively common cause of aberrant splicing (PMID: 17576681, 9536098). Algorithms developed to predict the effect of sequence changes on RNA splicing suggest that this variant is not likely to affect RNA splicing. In summary, the available evidence is currently insufficient to determine the role of this variant in disease. Therefore, it has been classified as a Variant of Uncertain Significance.

Ambry Genetics
Classification: Uncertain significance for Inborn genetic diseases. Last evaluated: 2022-07-31. Review status: criteria provided, single submitter. Criteria: Ambry Variant Classification Scheme 2023. Collection method: clinical testing. Allele origin: germline.
Comment: The c.3921+6T>G intronic alteration consists of a T to G substitution 6 nucleotides after exon 21 of the C5orf42 gene. Based on insufficient or conflicting evidence, the clinical significance of this alteration remains unclear.

Literature cited by the submitters: PubMed 17576681 (cited by Labcorp Genetics (formerly Invitae), Labcorp); PubMed 9536098 (cited by Labcorp Genetics (formerly Invitae), Labcorp).

NM_001384732.1(CPLANE1):c.3921+6T>G

Gene: CPLANE1 (ciliogenesis and planar polarity effector complex subunit 1; minus strand). Cytogenetic location: 5p13.2.
Variant type: single nucleotide variant.
Coding change: c.3921+6T>G on transcript NM_001384732.1 (MANE Select); 6 bases into the intron after coding-DNA position 3921, T replaced by G.
Molecular consequence: intron variant.
Genome position (GRCh38, 1-based): chr5:37,187,727, A>C on the plus strand (T>G on the coding strand, the complement: CPLANE1 is on the minus strand). VCF-style: chr5-37187727-A-C. GRCh37 (hg19) VCF-style: chr5-37187829-A-C.
Other names: c.3921+6T>G (NM_023073.4, NM_023073.3).
Identifiers: ClinVar variation 1389008 (VCV001389008.6), dbSNP rs770960938, ClinGen allele CA3238836.
Genomic context (GRCh38, chr5:37,187,727, plus strand): 5'-TTCTTTTAAACAATAATTTCCCACTTAACGTGTGTTCATTTTTCTTATTTTTGCCCTGGT[A>C]AATACCTTTTCTCCTTTTACATTTTCTCTTGCTTTCTGATATTGCCTGCAACTATAGGAT-3'